The following is an entry in ClinVar:

NM_016333.4(SRRM2):c.2725C>T (p.Pro909Ser)

Gene: SRRM2 (serine/arginine repetitive matrix 2; plus strand). Cytogenetic location: 16p13.3.
Variant type: single nucleotide variant.
Coding change: c.2725C>T on transcript NM_016333.4 (MANE Select); coding-DNA position 2725, C replaced by T.
Protein change: p.Pro909Ser; replaces proline 909 with serine.
Molecular consequence: missense variant.
Genome position (GRCh38, 1-based): chr16:2,763,253, C>T. VCF-style: chr16-2763253-C-T. GRCh37 (hg19) VCF-style: chr16-2813254-C-T.
Other names: short protein forms P909S.
Identifiers: ClinVar variation 2646071 (VCV002646071.24), dbSNP rs2505605764, ClinGen allele CA394411804.

ClinVar aggregate classification (germline): Uncertain significance (1 of 4 stars; one submission).

Submission:

CeGaT Center for Human Genetics Tuebingen
Classification: Uncertain significance. Last evaluated: 2023-10-01. Review status: criteria provided, single submitter. Criteria: CeGaT Center For Human Genetics Tuebingen Variant Classification Criteria Version 2. Collection method: clinical testing. Allele origin: germline. Affected: yes. Observed: 1 variant allele.
Comment: SRRM2: PM2, BP4